The following is an entry in ClinVar:

NM_021008.4(DEAF1):c.642_643del (p.Tyr215fs)

Gene: DEAF1 (DEAF1 transcription factor; minus strand). Cytogenetic location: 11p15.5.
Variant type: Deletion.
Coding change: c.642_643del on transcript NM_021008.4 (MANE Select); coding-DNA positions 642 to 643, 2 bases deleted (GT; older notation c.642_643delGT).
Protein change: p.Tyr215fs; shifts the reading frame from tyrosine 215.
Molecular consequence: frameshift variant. On other transcripts: 5 prime UTR variant (1).
Genome position (GRCh38, 1-based): chr11:687,932-687,933, AC deleted on the plus strand (GT on the coding strand, the reverse complement: DEAF1 is on the minus strand); deleting any 2 consecutive bases within chr11:687,932-687,934 gives the same sequence; the c. name uses the placement nearest the transcript's 3' end. VCF-style (leftmost placement, unchanged base first): chr11-687931-TAC-T. GRCh37 (hg19) VCF-style: chr11-687931-TAC-T.
Other names: c.641_642delTG, p.Tyr215Glnfs (NM_001293634.2); c.-85_-84del (NM_001367390.1); short protein forms Y215fs.
Identifiers: ClinVar variation 2030840 (VCV002030840.4), dbSNP rs1860669248, ClinGen allele CA1947227524.

ClinVar aggregate classification (germline): Pathogenic (1 of 4 stars; one submission).

Submission:

Labcorp Genetics (formerly Invitae), Labcorp
Classification: Pathogenic. Last evaluated: 2022-06-28. Review status: criteria provided, single submitter. Criteria: Invitae Variant Classification Sherloc (09022015). Collection method: clinical testing. Allele origin: germline.
Comment: For these reasons, this variant has been classified as Pathogenic. This variant has not been reported in the literature in individuals affected with DEAF1-related conditions. This variant is not present in population databases (gnomAD no frequency). This sequence change creates a premature translational stop signal (p.Tyr215Glnfs*26) in the DEAF1 gene. It is expected to result in an absent or disrupted protein product. Loss-of-function variants in DEAF1 are known to be pathogenic (PMID: 30923367).

Literature cited by the submitters: PubMed 30923367.